The following is an entry in ClinVar:

ClinVar aggregate classification (germline): Uncertain significance (1 of 4 stars; one submission).

Conditions:
Cardiovascular phenotype. Identifiers: MedGen CN230736.

Submission:

Ambry Genetics
Classification: Uncertain significance for Cardiovascular phenotype. Last evaluated: 2024-10-27. Review status: criteria provided, single submitter. Criteria: Ambry Variant Classification Scheme 2023. Collection method: clinical testing. Allele origin: germline.
Comment: The p.R2195Q variant (also known as c.6584G>A), located in coding exon 28 of the AKAP9 gene, results from a G to A substitution at nucleotide position 6584. The arginine at codon 2195 is replaced by glutamine, an amino acid with highly similar properties. This amino acid position is conserved. In addition, this alteration is predicted to be tolerated by in silico analysis. Based on the available evidence, the clinical significance of this variant remains unclear.

NM_005751.5(AKAP9):c.6584G>A (p.Arg2195Gln)

Gene: AKAP9 (A-kinase anchoring protein 9; plus strand). Cytogenetic location: 7q21.2.
Variant type: single nucleotide variant.
Coding change: c.6584G>A on transcript NM_005751.5 (MANE Select); coding-DNA position 6584, G replaced by A.
Protein change: p.Arg2195Gln; replaces arginine 2195 with glutamine.
Molecular consequence: missense variant.
Genome position (GRCh38, 1-based): chr7:92,070,981, G>A. VCF-style: chr7-92070981-G-A. GRCh37 (hg19) VCF-style: chr7-91700295-G-A.
Other names: c.1229G>A, p.Arg410Gln (NM_001379277.1); c.6560G>A, p.Arg2187Gln (NM_147185.3); short protein forms R2187Q, R2195Q, R410Q.
Identifiers: ClinVar variation 3517055 (VCV003517055.1).